The following is an entry in ClinVar:

NM_206937.2(LIG4):c.1513C>T (p.Arg505Cys)

Gene: LIG4 (DNA ligase 4; minus strand). Cytogenetic location: 13q33.3.
Variant type: single nucleotide variant.
Coding change: c.1513C>T on transcript NM_206937.2 (MANE Select); coding-DNA position 1513, C replaced by T.
Protein change: p.Arg505Cys; replaces arginine 505 with cysteine.
Molecular consequence: missense variant.
Genome position (GRCh38, 1-based): chr13:108,209,756, G>A on the plus strand (C>T on the coding strand, the complement: LIG4 is on the minus strand). VCF-style: chr13-108209756-G-A. GRCh37 (hg19) VCF-style: chr13-108862104-G-A.
Other names: c.1513C>T, p.Arg505Cys (NM_001098268.2, NM_001352598.2, NM_001352599.2 and 6 more transcripts); c.1312C>T, p.Arg438Cys (NM_001330595.2); c.1549C>T, p.Arg517Cys (NM_001352604.2); short protein forms R438C, R505C, R517C.
Identifiers: ClinVar variation 998614 (VCV000998614.7), dbSNP rs375284799, ClinGen allele CA7043674.

ClinVar aggregate classification (germline): Uncertain significance (1 of 4 stars; one submission).

Conditions:
DNA ligase IV deficiency. Identifiers: Orphanet 99812, MedGen C1847827, MONDO:0011686, OMIM 606593.

Allele frequency attached by ClinVar (database versions not stated): gnomAD 0.00002; gnomAD exomes 0.00002 and 0.00008; TOPMed 0.00002; ExAC 0.00003; ESP Exome Variant Server 0.00008.
gnomAD v4.1: 123 of 1,613,884 alleles (0.0076%); highest among the groups gnomAD compares: Non-Finnish European, 0.01%; no homozygotes.

Submission:

Labcorp Genetics (formerly Invitae), Labcorp
Classification: Uncertain significance for DNA ligase IV deficiency. Last evaluated: 2026-01-19. Review status: criteria provided, single submitter. Criteria: Invitae Variant Classification Sherloc (09022015). Collection method: clinical testing. Allele origin: germline.
Comment: This sequence change replaces arginine, which is basic and polar, with cysteine, which is neutral and slightly polar, at codon 505 of the LIG4 protein (p.Arg505Cys). This variant is present in population databases (rs375284799, gnomAD 0.007%). This variant has not been reported in the literature in individuals affected with LIG4-related conditions. ClinVar contains an entry for this variant (Variation ID: 998614). Invitae Evidence Modeling of protein sequence and biophysical properties (such as structural, functional, and spatial information, amino acid conservation, physicochemical variation, residue mobility, and thermodynamic stability) has been performed for this missense variant. However, the output from this modeling did not meet the statistical confidence thresholds required to predict the impact of this variant on LIG4 protein function. In summary, the available evidence is currently insufficient to determine the role of this variant in disease. Therefore, it has been classified as a Variant of Uncertain Significance.